The following is an entry in ClinVar:

NM_000152.5(GAA):c.2269C>T (p.Gln757Ter)

Gene: GAA (alpha glucosidase; plus strand). Cytogenetic location: 17q25.3.
Variant type: single nucleotide variant.
Coding change: c.2269C>T on transcript NM_000152.5 (MANE Select); coding-DNA position 2269, C replaced by T.
Protein change: p.Gln757Ter; replaces glutamine 757 with a stop codon.
Molecular consequence: nonsense.
Genome position (GRCh38, 1-based): chr17:80,117,047, C>T. VCF-style: chr17-80117047-C-T. GRCh37 (hg19) VCF-style: chr17-78090846-C-T.
Other names: c.2269C>T (NM_000152.4, LRG_673t1); c.2269C>T, p.Gln757Ter (NM_001079803.3, NM_001079804.3); short protein forms Q757*.
Identifiers: ClinVar variation 429727 (VCV000429727.55), dbSNP rs200483245, ClinGen allele CA294856548.

ClinVar aggregate classification (germline): Pathogenic. Review status: reviewed by expert panel (3 of 4 stars). 11 submissions from 11 submitters: Pathogenic (1). 10 of the submissions do not count toward it. Last evaluated 2020-05-05.

Conditions:
Glycogen storage disease, type II (IOPD). Also called: Glucosidase acid-1,4-alpha deficiency; POMPE DISEASE, INFANTILE-ONSET; GLYCOGEN STORAGE DISEASE II, INFANTILE-ONSET; ACID ALPHA-GLUCOSIDASE DEFICIENCY, INFANTILE-ONSET; GAA DEFICIENCY, INFANTILE-ONSET; ACID MALTASE DEFICIENCY, INFANTILE-ONSET. Identifiers: Orphanet 365, MedGen C0017921, MONDO:0009290, OMIM 232300.
GAA-related disorders.

Allele frequency attached by ClinVar (database versions not stated): gnomAD exomes below 0.00001.
gnomAD v4.1: 2 of 1,613,622 alleles (0.00012%); highest among the groups gnomAD compares: Non-Finnish European, 0.00017%; no homozygotes.

Submissions (11):

ClinGen Lysosomal Storage Disorder Variant Curation Expert Panel
Classification: Pathogenic for Glycogen storage disease, type II. Last evaluated: 2020-05-05. Review status: reviewed by expert panel. Criteria: ClinGen LSD ACMG Specifications v1. Collection method: curation. Allele origin: germline. Inheritance: Autosomal recessive inheritance.
Comment: This variant, c.2269C>T (p.Gln757Ter), which results in a premature termination codon, is expected to undergo nonsense medicated decay resulting in absence of gene product, meeting PVS1. The variant is absent in gnomAD v2.1.1, meeting PM2. One patient meeting the ClinGen LSD VCEP's specifications for PP4 and compound heterozygous for this variant and c.925G>A (p.Gly309Arg) in GAA has been reported (PMID 24337590). The phase of the variants was not confirmed. In trans data from this patient was used in the assessment of p.Gly309Arg and was not included here in order to avoid circular logic. Additional cases have been reported but were not included because the residual GAA activity was not provided, and therefore PP4 cannot be assessed (PMIDs 17723315, 29149851). There is a ClinVar entry for this variant (Variation ID: 429727, 2 star review status) with two submitters classifying the variant as pathogenic. In summary, this variant meets the criteria to be classified as pathogenic for GSD Pompe disease. GAA-specific ACMG/AMP criteria applied, as specified by the ClinGen LSD VCEP: PVS1, PM2, PP4.

Genomenon, Inc
Classification: Pathogenic for Glycogen storage disease, type II. Last evaluated: 2026-07-01. Review status: criteria provided, single submitter. Criteria: Genomenon Sequence Variant Interpretation Standards - Updated. Collection method: curation. Allele origin: germline. Affected: yes. Not counted in ClinVar's aggregate classification.
Comment: GAA p.Gln757Ter (c.2269C>T) is a nonsense variant that introduces a premature stop codon at amino acid position 757 and is predicted to result in a truncated or absent protein product. This variant has been observed in at least one proband with a GAA-related disorder (PMID:37087815;34072668;24337590;17723315). It is absent or not present at a significant frequency in gnomAD. In conclusion, we classify GAA p.Gln757Ter (c.2269C>T) as a pathogenic variant.

Natera, Inc.
Classification: Pathogenic for Glycogen storage disease type II. Last evaluated: 2025-05-30. Review status: criteria provided, single submitter. Criteria: Natera Variant Classification Schema (03/2026). Collection method: clinical testing. Allele origin: germline. Not counted in ClinVar's aggregate classification.
Comment: The c.2269C>T variant in GAA is a nonsense variant predicted to introduce a stop codon at amino acid 757. This variant is expected to result in nonsense mediated decay, truncation, or a dysfunctional protein product. This variant is rare in the general population with a frequency below the threshold expected for the associated phenotype(s). This variant has been observed in one or more individuals affected with the associated recessive disease, as either homozygous or compound heterozygous with a second variant (PMID: 37087815, 34072668). Given the available evidence, this variant is classified as Pathogenic.

Labcorp Genetics (formerly Invitae), Labcorp
Classification: Pathogenic for Glycogen storage disease, type II. Last evaluated: 2024-12-23. Review status: criteria provided, single submitter. Criteria: Invitae Variant Classification Sherloc (09022015). Collection method: clinical testing. Allele origin: germline. Not counted in ClinVar's aggregate classification.
Comment: This sequence change creates a premature translational stop signal (p.Gln757*) in the GAA gene. It is expected to result in an absent or disrupted protein product. Loss-of-function variants in GAA are known to be pathogenic (PMID: 18425781, 22252923). This variant is not present in population databases (gnomAD no frequency). This premature translational stop signal has been observed in individual(s) with Pompe disease (PMID: 17723315, 29149851). ClinVar contains an entry for this variant (Variation ID: 429727). For these reasons, this variant has been classified as Pathogenic.

Institute of Medical Genetics and Applied Genomics, University Hospital Tübingen
Classification: Pathogenic for Glycogen storage disease, type II. Last evaluated: 2024-08-02. Review status: criteria provided, single submitter. Criteria: ACMG Guidelines, 2015. Collection method: clinical testing. Allele origin: germline. Inheritance: Autosomal recessive inheritance. Affected: yes. Not counted in ClinVar's aggregate classification.

Blueprint Genetics
Classification: Pathogenic for GAA-related disorders. Last evaluated: 2023-05-02. Review status: criteria provided, single submitter. Criteria: ACMG Guidelines, 2015. Collection method: clinical testing. Allele origin: germline. Affected: yes. Observed: 1 variant allele. Not counted in ClinVar's aggregate classification.

CeGaT Center for Human Genetics Tuebingen
Classification: Pathogenic. Last evaluated: 2020-10-01. Review status: criteria provided, single submitter. Criteria: CeGaT Center For Human Genetics Tuebingen Variant Classification Criteria Version 2. Collection method: clinical testing. Allele origin: germline. Affected: yes. Observed: 2 variant alleles. Not counted in ClinVar's aggregate classification.

Revvity Omics, Revvity
Classification: Pathogenic. Last evaluated: 2020-01-23. Review status: criteria provided, single submitter. Criteria: ACMG Guidelines, 2015. Collection method: clinical testing. Allele origin: germline. Not counted in ClinVar's aggregate classification.

Broad Center for Mendelian Genomics, Broad Institute of MIT and Harvard
Classification: Pathogenic for Glycogen storage disease, type II. Last evaluated: 2020-01-22. Review status: criteria provided, single submitter. Criteria: ACMG Guidelines, 2015. Collection method: curation. Allele origin: germline. Inheritance: Autosomal recessive inheritance. Not counted in ClinVar's aggregate classification.
Comment: The p.Gln757Ter variant in GAA has been reported in 1 Serbian, 1 Croatian, and 1 Canadian individuals with Glycogen Storage Disease II (PMID: 29149851, 24337590, 17723315), and has also been reported pathogenic by GeneDx and Counsyl in ClinVar (Variation ID: 429727). This variant was absent from genomes and no high quality genotypes at this site were noted to include this variant in exomes from the Genome Aggregation Database (gnomAD; dbSNP rs200483245). This nonsense variant leads to a premature termination codon at position 757, which is predicted to lead to a truncated or absent protein. Loss of function of the GAA gene is an established disease mechanism in autosomal recessive Glycogen Storage Disease II. The presence of this variant in combination with a pathogenic variant in an individual with Glycogen Storage Disease II increases the likelihood that the p.Gln757Ter variant is pathogenic (PMID: 24337590). The phenotype of this individual compound heterozygous for this variant is highly specific for Glycogen Storage Disease II with less than 3% of normal GAA activity detected in their lymphocytes (PMID: 24337590). In summary, this variant meets criteria to be classified as pathogenic for Glycogen Storage Disease II in an autosomal recessive manner based on the predicted impact of the variant and the occurrence with a pathogenic GAA variant in an individual with Glycogen Storage Disease II. ACMG/AMP Criteria applied: PVS1, PM2_supporting, PM3_supporting, PP4 (Richards 2015).

GeneDx
Classification: Pathogenic. Last evaluated: 2015-09-03. Review status: criteria provided, single submitter. Criteria: GeneDx Variant Classification (06012015). Collection method: clinical testing. Allele origin: germline. Affected: yes. Not counted in ClinVar's aggregate classification.
Comment: The Q757X nonsense pathogenic variant in the GAA gene has been reported previously in a patient with adult-onsetGSDII, who also harbored the common c.-32-13 T>G variant (McCready et al., 2007). This pathogenic variant ispredicted to cause loss of normal protein function either through protein truncation or nonsense-mediated mRNAdecay. The Q757X pathogenic variant was not observed in approximately 6,500 individuals of European and AfricanAmerican ancestry in the NHLBI Exome Sequencing Project, indicating it is not a common benign variant in thesepopulations

Counsyl
Classification: Pathogenic for Glycogen storage disease, type II. Last evaluated: 2017-01-03. Review status: no assertion criteria provided. Collection method: clinical testing. Allele origin: unknown. Not counted in ClinVar's aggregate classification.

Literature cited by the submitters: PubMed 17723315 (cited by 5 submitters); PubMed 24337590 (cited by 4 submitters); PubMed 37087815 (cited by Genomenon, Inc and Natera, Inc.); PubMed 34072668 (cited by Genomenon, Inc and Natera, Inc.); PubMed 18425781 (cited by Labcorp Genetics (formerly Invitae), Labcorp and Counsyl); PubMed 22252923 (cited by Labcorp Genetics (formerly Invitae), Labcorp); PubMed 29149851 (cited by Labcorp Genetics (formerly Invitae), Labcorp and Broad Center for Mendelian Genomics, Broad Institute of MIT and Harvard).